The following is an entry in ClinVar:

NM_198253.3(TERT):c.2458A>T (p.Ile820Phe)

Gene: TERT (telomerase reverse transcriptase; minus strand). Cytogenetic location: 5p15.33.
Variant type: single nucleotide variant.
Coding change: c.2458A>T on transcript NM_198253.3 (MANE Select); coding-DNA position 2458, A replaced by T.
Protein change: p.Ile820Phe; replaces isoleucine 820 with phenylalanine.
Molecular consequence: missense variant.
Genome position (GRCh38, 1-based): chr5:1,271,129, T>A on the plus strand (A>T on the coding strand, the complement: TERT is on the minus strand). VCF-style: chr5-1271129-T-A. GRCh37 (hg19) VCF-style: chr5-1271244-T-A.
Other names: c.2458A>T, p.Ile820Phe (NM_001193376.3); short protein forms I820F.
Identifiers: ClinVar variation 4182806 (VCV004182806.1).

ClinVar aggregate classification (germline): Uncertain significance (1 of 4 stars; one submission).

Conditions:
Dyskeratosis congenita. Identifiers: Orphanet 1775, MedGen C0265965, MONDO:0015780.

Submission:

Ambry Genetics
Classification: Uncertain significance for Dyskeratosis congenita. Last evaluated: 2025-08-15. Review status: criteria provided, single submitter. Criteria: Ambry Variant Classification Scheme 2023. Collection method: clinical testing. Allele origin: germline.
Comment: The p.I820F variant (also known as c.2458A>T), located in coding exon 8 of the TERT gene, results from an A to T substitution at nucleotide position 2458. The isoleucine at codon 820 is replaced by phenylalanine, an amino acid with highly similar properties. This amino acid position is conserved. In addition, the in silico prediction for this alteration is inconclusive. Based on the available evidence, the clinical significance of this variant remains unclear.